The following is an entry in ClinVar:

ClinVar aggregate classification (germline): Uncertain significance. Review status: criteria provided, multiple submitters, no conflicts (2 of 4 stars). 4 submissions from 4 submitters: Uncertain significance (3). 1 of the submissions does not count toward it. Last evaluated 2024-12-16.

Conditions:
Inborn genetic diseases. Identifiers: MedGen C0950123, MeSH D030342.
Retinal dystrophy. Also called: Inherited retinal dystrophy. Identifiers: Orphanet 71862, MedGen C0854723, MeSH D058499, MONDO:0019118, HP:0000556.

Allele frequency attached by ClinVar (database versions not stated): gnomAD 0.00001; gnomAD exomes 0.00001 and 0.00003; TOPMed 0.00002; ExAC 0.00003.
gnomAD v4.1: 21 of 1,610,786 alleles (0.0013%); highest among the groups gnomAD compares: South Asian, 0.0022%; no homozygotes.

Submissions (4):

Labcorp Genetics (formerly Invitae), Labcorp
Classification: Uncertain significance. Last evaluated: 2024-12-16. Review status: criteria provided, single submitter. Criteria: Invitae Variant Classification Sherloc (09022015). Collection method: clinical testing. Allele origin: germline.
Comment: This sequence change replaces leucine, which is neutral and non-polar, with arginine, which is basic and polar, at codon 1053 of the TTLL5 protein (p.Leu1053Arg). This variant is present in population databases (rs776004403, gnomAD 0.006%). This variant has not been reported in the literature in individuals affected with TTLL5-related conditions. ClinVar contains an entry for this variant (Variation ID: 958330). Invitae Evidence Modeling of protein sequence and biophysical properties (such as structural, functional, and spatial information, amino acid conservation, physicochemical variation, residue mobility, and thermodynamic stability) has been performed for this missense variant. However, the output from this modeling did not meet the statistical confidence thresholds required to predict the impact of this variant on TTLL5 protein function. In summary, the available evidence is currently insufficient to determine the role of this variant in disease. Therefore, it has been classified as a Variant of Uncertain Significance.

Blueprint Genetics
Classification: Uncertain significance. Last evaluated: 2023-09-29. Review status: criteria provided, single submitter. Criteria: ACMG Guidelines, 2015. Collection method: clinical testing. Allele origin: germline.

Ambry Genetics
Classification: Uncertain significance for Inborn genetic diseases. Last evaluated: 2023-07-14. Review status: criteria provided, single submitter. Criteria: Ambry Variant Classification Scheme 2023. Collection method: clinical testing. Allele origin: germline.

Institute of Human Genetics, Univ. Regensburg, Univ. Regensburg
Classification: Uncertain significance for Retinal dystrophy. Last evaluated: 2023-01-01. Review status: no assertion criteria provided. Criteria: ACMG Guidelines, 2015. Collection method: clinical testing. Allele origin: germline. Affected: yes. Not counted in ClinVar's aggregate classification.

NM_015072.5(TTLL5):c.3158T>G (p.Leu1053Arg)

Gene: TTLL5 (tubulin tyrosine ligase like 5; plus strand). Cytogenetic location: 14q24.3.
Variant type: single nucleotide variant.
Coding change: c.3158T>G on transcript NM_015072.5 (MANE Select); coding-DNA position 3158, T replaced by G.
Protein change: p.Leu1053Arg; replaces leucine 1053 with arginine.
Molecular consequence: missense variant.
Genome position (GRCh38, 1-based): chr14:75,793,087, T>G. VCF-style: chr14-75793087-T-G. GRCh37 (hg19) VCF-style: chr14-76259430-T-G.
Other names: short protein forms L1053R.
Identifiers: ClinVar variation 958330 (VCV000958330.12), dbSNP rs776004403, ClinGen allele CA7279906.